The following is an entry in ClinVar:

NM_000136.3(FANCC):c.707T>C (p.Met236Thr)

Genes: AOPEP (aminopeptidase O (putative); plus strand), FANCC (FA complementation group C; minus strand). Cytogenetic location: 9q22.32.
Variant type: single nucleotide variant.
Coding change: c.707T>C on transcript NM_000136.3 (MANE Select); coding-DNA position 707, T replaced by C.
Protein change: p.Met236Thr; replaces methionine 236 with threonine.
Molecular consequence: missense variant.
Genome position (GRCh38, 1-based): chr9:95,135,482, A>G on the plus strand (T>C on the coding strand, the complement: FANCC is on the minus strand). VCF-style: chr9-95135482-A-G. GRCh37 (hg19) VCF-style: chr9-97897764-A-G.
Other names: c.707T>C, p.Met236Thr (NM_001243743.2, NM_001243744.2); short protein forms M236T.
Identifiers: ClinVar variation 2889201 (VCV002889201.4), dbSNP rs763283053, ClinGen allele CA374109453.

ClinVar aggregate classification (germline): Conflicting classifications of pathogenicity. Review status: criteria provided, conflicting classifications (1 of 4 stars). 2 submissions from 2 submitters: Uncertain significance (1); Likely benign (1). Last evaluated 2026-03-15.

Conditions:
Hereditary cancer-predisposing syndrome. Also called: Hereditary neoplastic syndrome; Neoplastic Syndromes, Hereditary; Tumor predisposition; Hereditary Cancer Syndrome. Identifiers: Orphanet 140162, MedGen C0027672, MeSH D009386, MONDO:0015356.
Fanconi anemia (FA). Also called: Fanconi's anemia. Identifiers: Orphanet 84, MedGen C0015625, MeSH D005199, MONDO:0019391.

Allele frequency attached by ClinVar (database versions not stated): gnomAD exomes below 0.00001.
gnomAD v4.1: 2 of 1,614,088 alleles (0.00012%); highest among the groups gnomAD compares: Non-Finnish European, 0.000085%; no homozygotes.

Submissions (2):

Ambry Genetics
Classification: Likely benign for Hereditary cancer-predisposing syndrome. Last evaluated: 2026-03-15. Review status: criteria provided, single submitter. Criteria: Ambry Variant Classification Scheme 2023. Collection method: clinical testing. Allele origin: germline.

Labcorp Genetics (formerly Invitae), Labcorp
Classification: Uncertain significance for Fanconi anemia. Last evaluated: 2023-09-27. Review status: criteria provided, single submitter. Criteria: Invitae Variant Classification Sherloc (09022015). Collection method: clinical testing. Allele origin: germline.
Comment: In summary, the available evidence is currently insufficient to determine the role of this variant in disease. Therefore, it has been classified as a Variant of Uncertain Significance. Advanced modeling of protein sequence and biophysical properties (such as structural, functional, and spatial information, amino acid conservation, physicochemical variation, residue mobility, and thermodynamic stability) performed at Invitae indicates that this missense variant is not expected to disrupt FANCC protein function. This variant has not been reported in the literature in individuals affected with FANCC-related conditions. This variant is not present in population databases (gnomAD no frequency). This sequence change replaces methionine, which is neutral and non-polar, with threonine, which is neutral and polar, at codon 236 of the FANCC protein (p.Met236Thr).